The following is an entry in ClinVar:

ClinVar aggregate classification (germline): Uncertain significance. Review status: criteria provided, multiple submitters, no conflicts (2 of 4 stars). 2 submissions from 2 submitters: Uncertain significance (2). Last evaluated 2023-04-18.

Conditions:
Intellectual developmental disorder, autosomal dominant 29. Also called: SETBP1 Haploinsufficiency Disorder; Intellectual disability, autosomal dominant 29. Identifiers: Orphanet 436151, MedGen C4015141, MONDO:0014482, OMIM 616078.

Allele frequency attached by ClinVar (database versions not stated): gnomAD exomes below 0.00001; TOPMed below 0.00001.
gnomAD v4.1: 6 of 1,614,188 alleles (0.00037%); highest among the groups gnomAD compares: Non-Finnish European, 0.00051%; no homozygotes.

Submissions (2):

Labcorp Genetics (formerly Invitae), Labcorp
Classification: Uncertain significance. Last evaluated: 2023-04-18. Review status: criteria provided, single submitter. Criteria: Invitae Variant Classification Sherloc (09022015). Collection method: clinical testing. Allele origin: germline.
Comment: This variant has not been reported in the literature in individuals affected with SETBP1-related conditions. This variant is not present in population databases (gnomAD no frequency). This sequence change replaces asparagine, which is neutral and polar, with aspartic acid, which is acidic and polar, at codon 764 of the SETBP1 protein (p.Asn764Asp). ClinVar contains an entry for this variant (Variation ID: 1330301). In summary, the available evidence is currently insufficient to determine the role of this variant in disease. Therefore, it has been classified as a Variant of Uncertain Significance. Advanced modeling of protein sequence and biophysical properties (such as structural, functional, and spatial information, amino acid conservation, physicochemical variation, residue mobility, and thermodynamic stability) performed at Invitae indicates that this missense variant is not expected to disrupt SETBP1 protein function.

MVZ Martinsried, Medicover Genetics
Classification: Uncertain significance for Intellectual developmental disorder, autosomal dominant 29. Last evaluated: 2021-12-29. Review status: criteria provided, single submitter. Criteria: ACGS Guidelines, 2020. Collection method: clinical testing. Allele origin: paternal. Affected: yes.

NM_015559.3(SETBP1):c.2290A>G (p.Asn764Asp)

Gene: SETBP1 (SET binding protein 1; plus strand). Cytogenetic location: 18q12.3.
Variant type: single nucleotide variant.
Coding change: c.2290A>G on transcript NM_015559.3 (MANE Select); coding-DNA position 2290, A replaced by G.
Protein change: p.Asn764Asp; replaces asparagine 764 with aspartic acid.
Molecular consequence: missense variant.
Genome position (GRCh38, 1-based): chr18:44,951,630, A>G. VCF-style: chr18-44951630-A-G. GRCh37 (hg19) VCF-style: chr18-42531595-A-G.
Other names: c.2290A>G, p.Asn764Asp (NM_001379141.1, NM_001379142.1); short protein forms N764D.
Identifiers: ClinVar variation 1330301 (VCV001330301.4), dbSNP rs2071353992, ClinGen allele CA402320803.